The following is an entry in ClinVar:

NM_016219.5(MAN1B1):c.1753G>A (p.Val585Met)

Gene: MAN1B1 (mannosidase alpha class 1B member 1; plus strand). Cytogenetic location: 9q34.3.
Variant type: single nucleotide variant.
Coding change: c.1753G>A on transcript NM_016219.5 (MANE Select); coding-DNA position 1753, G replaced by A.
Protein change: p.Val585Met; replaces valine 585 with methionine.
Molecular consequence: missense variant. On other transcripts: non-coding transcript variant (2).
Genome position (GRCh38, 1-based): chr9:137,107,436, G>A. VCF-style: chr9-137107436-G-A. GRCh37 (hg19) VCF-style: chr9-140001888-G-A.
Other names: short protein forms V585M.
Identifiers: ClinVar variation 641599 (VCV000641599.15), dbSNP rs150734795, ClinGen allele CA5359360.

ClinVar aggregate classification (germline): Uncertain significance. Review status: criteria provided, multiple submitters, no conflicts (2 of 4 stars). 4 submissions from 4 submitters: Uncertain significance (4). Last evaluated 2026-01-03.

Conditions:
Rafiq syndrome (RAFQS). Identifiers: Orphanet 88616, MedGen C3280127, MONDO:0013624, OMIM 614202.
Inborn genetic diseases. Identifiers: MedGen C0950123, MeSH D030342.

Allele frequency attached by ClinVar (database versions not stated): gnomAD 0.00009 and 0.00013; TOPMed 0.00014; ESP Exome Variant Server 0.00023; 1000 Genomes Project 0.00060; 1000 Genomes Project 30x 0.00062.
gnomAD v4.1: 306 of 1,613,424 alleles (0.019%); highest among the groups gnomAD compares: South Asian, 0.087%; no homozygotes.

Submissions (4):

Labcorp Genetics (formerly Invitae), Labcorp
Classification: Uncertain significance for Rafiq syndrome. Last evaluated: 2026-01-03. Review status: criteria provided, single submitter. Criteria: Invitae Variant Classification Sherloc (09022015). Collection method: clinical testing. Allele origin: germline.
Comment: This sequence change replaces valine, which is neutral and non-polar, with methionine, which is neutral and non-polar, at codon 585 of the MAN1B1 protein (p.Val585Met). This variant is present in population databases (rs150734795, gnomAD 0.08%). This variant has not been reported in the literature in individuals affected with MAN1B1-related conditions. ClinVar contains an entry for this variant (Variation ID: 641599). An algorithm developed to predict the effect of missense changes on protein structure and function (PolyPhen-2) suggests that this variant is likely to be tolerated. In summary, the available evidence is currently insufficient to determine the role of this variant in disease. Therefore, it has been classified as a Variant of Uncertain Significance.

GeneDx
Classification: Uncertain significance. Last evaluated: 2024-12-12. Review status: criteria provided, single submitter. Criteria: GeneDx Variant Classification Process June 2021. Collection method: clinical testing. Allele origin: germline. Affected: yes.
Comment: In silico analysis indicates that this missense variant does not alter protein structure/function; Has not been previously published as pathogenic or benign to our knowledge

Ambry Genetics
Classification: Uncertain significance for Inborn genetic diseases. Last evaluated: 2019-06-07. Review status: criteria provided, single submitter. Criteria: Ambry Variant Classification Scheme 2023. Collection method: clinical testing. Allele origin: germline.
Comment: The p.V585M variant (also known as c.1753G>A), located in coding exon 11 of the MAN1B1 gene, results from a G to A substitution at nucleotide position 1753. The valine at codon 585 is replaced by methionine, an amino acid with highly similar properties. This amino acid position is not well conserved in available vertebrate species. In addition, this alteration is predicted to be tolerated by in silico analysis. Since supporting evidence is limited at this time, the clinical significance of this alteration remains unclear.

Illumina Laboratory Services, Illumina
Classification: Uncertain significance for Rafiq syndrome. Last evaluated: 2018-01-13. Review status: criteria provided, single submitter. Criteria: ICSL Variant Classification Criteria 13 December 2019. Collection method: clinical testing. Allele origin: germline.